The following is an entry in ClinVar:

ClinVar aggregate classification (germline): Pathogenic. Review status: criteria provided, single submitter (1 of 4 stars). 2 submissions from 2 submitters: Pathogenic (1). 1 of the submissions does not count toward it. Last evaluated 2021-11-16.

Conditions:
Hereditary cancer-predisposing syndrome. Also called: Tumor predisposition; Hereditary neoplastic syndrome; Neoplastic Syndromes, Hereditary; Hereditary Cancer Syndrome. Identifiers: Orphanet 140162, MedGen C0027672, MeSH D009386, MONDO:0015356.
Cardiovascular phenotype. Identifiers: MedGen CN230736.
Neurofibromatosis, type 1 (NF1). Also called: Peripheral type neurofibromatosis; VON RECKLINGHAUSEN DISEASE; Neurofibromatosis, type I; NEUROFIBROMATOSIS, TYPE I, SOMATIC. Identifiers: Orphanet 636, MedGen C0027831, MONDO:0018975, OMIM 162200. Disease mechanism: loss of function.

Submissions (2):

Ambry Genetics
Classification: Pathogenic for Cardiovascular phenotype; Hereditary cancer-predisposing syndrome. Last evaluated: 2021-11-16. Review status: criteria provided, single submitter. Criteria: Ambry Variant Classification Scheme 2023. Collection method: clinical testing. Allele origin: germline.
Comment: The c.7748delT pathogenic mutation, located in coding exon 52 of the NF1 gene, results from a deletion of one nucleotide at nucleotide position 7748, causing a translational frameshift with a predicted alternate stop codon (p.L2583Pfs*20). This alteration has been observed in at least one individual with a personal and/or family history that is consistent with NF1-related disease (Ambry internal data). This variant is considered to be rare based on population cohorts in the Genome Aggregation Database (gnomAD). In addition to the clinical data presented in the literature, this alteration is expected to result in loss of function by premature protein truncation or nonsense-mediated mRNA decay. As such, this alteration is interpreted as a disease-causing mutation.

Clinical Molecular Genetics Laboratory, Johns Hopkins All Children's Hospital
Classification: Pathogenic for Neurofibromatosis, type 1. Last evaluated: 2016-03-29. Review status: no assertion criteria provided. Collection method: clinical testing. Allele origin: germline. Affected: yes. Not counted in ClinVar's aggregate classification.

NM_001042492.3(NF1):c.7811del (p.Leu2604fs)

Gene: NF1 (neurofibromin 1; plus strand). Cytogenetic location: 17q11.2.
Variant type: Deletion.
Coding change: c.7811del on transcript NM_001042492.3 (MANE Select); coding-DNA position 7811, one base deleted (T; older notation c.7811delT).
Protein change: p.Leu2604fs; shifts the reading frame from leucine 2604.
Molecular consequence: frameshift variant.
Genome position (GRCh38, 1-based): chr17:31,357,032, T deleted. VCF-style (leftmost placement, unchanged base first): chr17-31357031-CT-C. GRCh37 (hg19) VCF-style: chr17-29684049-CT-C.
Other names: c.7748delT, p.Leu2583Profs (NM_000267.4); c.7748delT (NM_000267.3); short protein forms L2583fs, L2604fs.
Identifiers: ClinVar variation 492889 (VCV000492889.3), dbSNP rs1555536701, ClinGen allele CA658684022.